The following is an entry in ClinVar:

NM_015267.4(CUX2):c.3265C>T (p.Pro1089Ser)

Gene: CUX2 (cut like homeobox 2; plus strand). Cytogenetic location: 12q24.12.
Variant type: single nucleotide variant.
Coding change: c.3265C>T on transcript NM_015267.4 (MANE Select); coding-DNA position 3265, C replaced by T.
Protein change: p.Pro1089Ser; replaces proline 1089 with serine.
Molecular consequence: missense variant.
Genome position (GRCh38, 1-based): chr12:111,338,354, C>T. VCF-style: chr12-111338354-C-T. GRCh37 (hg19) VCF-style: chr12-111776158-C-T.
Other names: c.3079C>T, p.Pro1027Ser (NM_001370598.1); short protein forms P1027S, P1089S.
Identifiers: ClinVar variation 3347746 (VCV003347746.1).

ClinVar aggregate classification (germline): Likely pathogenic (0 of 4 stars; one submission).

Conditions:
CUX2-related disorder. Also called: CUX2-related condition.

Submission:

PreventionGenetics, part of Exact Sciences
Classification: Likely pathogenic for CUX2-related condition. Last evaluated: 2024-08-28. Review status: no assertion criteria provided. Collection method: clinical testing. Allele origin: germline.
Comment: The CUX2 c.3265C>T variant is predicted to result in the amino acid substitution p.Pro1089Ser. To our knowledge, this variant has not been reported in the literature or in a large population database, indicating this variant is rare. This variant is interpreted as likely pathogenic.